The following is an entry in ClinVar:

NM_012105.5(BACE2):c.1092C>T (p.Asp364=)

Gene: BACE2 (beta-secretase 2; plus strand). Cytogenetic location: 21q22.3.
Variant type: single nucleotide variant.
Coding change: c.1092C>T on transcript NM_012105.5 (MANE Select); coding-DNA position 1092, C replaced by T.
Protein change: p.Asp364=; no amino-acid change (aspartic acid 364 retained).
Molecular consequence: synonymous variant. On other transcripts: intron variant (1).
Genome position (GRCh38, 1-based): chr21:41,250,859, C>T. VCF-style: chr21-41250859-C-T. GRCh37 (hg19) VCF-style: chr21-42622786-C-T.
Other names: c.1092C>T, p.Asp364= (NM_138992.3); c.984+4796C>T (NM_138991.3).
Identifiers: ClinVar variation 3060688 (VCV003060688.2), dbSNP rs1046210, ClinGen allele CA10032266.
Genomic context (GRCh38, chr21:41,250,859, plus strand): 5'-CTGGACGAATTCGGAAACACCTTGGTCTTACTTCCCTAAAATCTCCATCTACCTGAGAGA[C>T]GAGAACTCCAGCAGGTCATTCCGTATCACAATCCTGCCTCAGGTATGAACTTGGATTTGT-3'
Protein context (NP_036237.2, residues 354-374): YFPKISIYLR[Asp364=]ENSSRSFRIT

ClinVar aggregate classification (germline): Benign (0 of 4 stars; one submission).

Conditions:
BACE2-related disorder. Also called: BACE2-related condition.

Allele frequency attached by ClinVar (database versions not stated): ESP Exome Variant Server 0.30132; gnomAD 0.34181; TOPMed 0.34285; 1000 Genomes Project 30x 0.40803; gnomAD exomes 0.41108; 1000 Genomes Project 0.41893; ExAC 0.43905.
gnomAD v4.1: 652,985 of 1,613,088 alleles (40%); highest among the groups gnomAD compares: East Asian, 72%; 140,400 homozygotes.

Submission:

PreventionGenetics, part of Exact Sciences
Classification: Benign for BACE2-related condition. Last evaluated: 2019-10-30. Review status: no assertion criteria provided. Collection method: clinical testing. Allele origin: germline.
Comment: This variant is classified as benign based on ACMG/AMP sequence variant interpretation guidelines (Richards et al. 2015 PMID: 25741868, with internal and published modifications).